The following is an entry in ClinVar:

ClinVar aggregate classification (germline): Benign. Review status: criteria provided, multiple submitters, no conflicts (2 of 4 stars). 3 submissions from 3 submitters: Benign (3). Last evaluated 2021-06-10.

Conditions:
Miyoshi muscular dystrophy 1 (MMD1). Identifiers: Orphanet 45448, MedGen C4551973, MONDO:0024545, OMIM 254130.

Allele frequency attached by ClinVar (database versions not stated): 1000 Genomes Project 0.65615; 1000 Genomes Project 30x 0.66646; gnomAD 0.79502 and 0.81086; TOPMed 0.79739.
gnomAD v4.1: 1,105,855 of 1,414,308 alleles (78%); highest among the groups gnomAD compares: African/African-American, 89%; 442,999 homozygotes.

Submissions (3):

Genome-Nilou Lab
Classification: Benign for Miyoshi muscular dystrophy 1. Last evaluated: 2021-06-10. Review status: criteria provided, single submitter. Criteria: ACMG Guidelines, 2015. Collection method: clinical testing. Allele origin: germline. Affected: no.

GeneDx
Classification: Benign. Last evaluated: 2018-06-14. Review status: criteria provided, single submitter. Criteria: GeneDx Variant Classification (06012015). Collection method: clinical testing. Allele origin: germline. Affected: yes.
Comment: This variant is considered likely benign or benign based on one or more of the following criteria: it is a conservative change, it occurs at a poorly conserved position in the protein, it is predicted to be benign by multiple in silico algorithms, and/or has population frequency not consistent with disease.

Breakthrough Genomics
Classification: Benign. Review status: criteria provided, single submitter. Criteria: ACMG Guidelines, 2015. Collection method: not provided. Allele origin: germline. Inheritance: Autosomal recessive inheritance. Affected: yes.

NM_001130987.2(DYSF):c.1034-68T>C

Gene: DYSF (dysferlin; plus strand). Cytogenetic location: 2p13.2.
Variant type: single nucleotide variant.
Coding change: c.1034-68T>C on transcript NM_001130987.2 (MANE Select); 68 bases into the intron before coding-DNA position 1034, T replaced by C.
Molecular consequence: intron variant.
Genome position (GRCh38, 1-based): chr2:71,520,721, T>C. VCF-style: chr2-71520721-T-C. GRCh37 (hg19) VCF-style: chr2-71747851-T-C.
Other names: c.1031-68T>C (NM_001130979.2, NM_001130981.2, NM_001130980.2); c.938-68T>C (NM_001130978.2, NM_003494.4, NM_001130977.2 and 1 more transcripts); c.1034-68T>C (NM_001130982.2, NM_001130985.2); c.941-68T>C (NM_001130983.2, NM_001130455.2, NM_001130984.2 and 1 more transcripts).
Identifiers: ClinVar variation 679414 (VCV000679414.5), dbSNP rs12713755, ClinGen allele CA11072046.